The following is an entry in ClinVar:

NM_020778.5(ALPK3):c.3469G>A (p.Glu1157Lys)

Gene: ALPK3 (alpha kinase 3; plus strand). Cytogenetic location: 15q25.3.
Variant type: single nucleotide variant.
Coding change: c.3469G>A on transcript NM_020778.5 (MANE Select); coding-DNA position 3469, G replaced by A.
Protein change: p.Glu1157Lys; replaces glutamic acid 1157 with lysine.
Molecular consequence: missense variant.
Genome position (GRCh38, 1-based): chr15:84,858,207, G>A. VCF-style: chr15-84858207-G-A. GRCh37 (hg19) VCF-style: chr15-85401438-G-A.
Other names: c.4075G>A (NM_020778.4); short protein forms E1157K.
Identifiers: ClinVar variation 2421828 (VCV002421828.7), dbSNP rs771138915, ClinGen allele CA7709640.

ClinVar aggregate classification (germline): Uncertain significance. Review status: criteria provided, multiple submitters, no conflicts (2 of 4 stars). 2 submissions from 2 submitters: Uncertain significance (2). Last evaluated 2026-07-10.

Conditions:
Cardiovascular phenotype. Identifiers: MedGen CN230736.

Allele frequency attached by ClinVar (database versions not stated): gnomAD exomes 0.00003; gnomAD 0.00001; TOPMed 0.00001; ExAC 0.00001.

Submissions (2):

Ambry Genetics
Classification: Uncertain significance for Cardiovascular phenotype. Last evaluated: 2026-07-10. Review status: criteria provided, single submitter. Criteria: Ambry Variant Classification Scheme 2023. Collection method: clinical testing. Allele origin: germline.
Comment: The p.E1359K variant (also known as c.4075G>A), located in coding exon 6 of the ALPK3 gene, results from a G to A substitution at nucleotide position 4075. The glutamic acid at codon 1359 is replaced by lysine, an amino acid with similar properties. This amino acid position is conserved. In addition, this alteration is predicted to be tolerated by in silico analysis. Based on the available evidence, the clinical significance of this variant remains unclear.

Labcorp Genetics (formerly Invitae), Labcorp
Classification: Uncertain significance. Last evaluated: 2025-06-24. Review status: criteria provided, single submitter. Criteria: Invitae Variant Classification Sherloc (09022015). Collection method: clinical testing. Allele origin: germline.
Comment: This sequence change replaces glutamic acid, which is acidic and polar, with lysine, which is basic and polar, at codon 1359 of the ALPK3 protein (p.Glu1359Lys). This variant is present in population databases (rs771138915, gnomAD 0.002%). This variant has not been reported in the literature in individuals affected with ALPK3-related conditions. ClinVar contains an entry for this variant (Variation ID: 2421828). Invitae Evidence Modeling of protein sequence and biophysical properties (such as structural, functional, and spatial information, amino acid conservation, physicochemical variation, residue mobility, and thermodynamic stability) indicates that this missense variant is expected to disrupt ALPK3 protein function with a positive predictive value of 80%. In summary, the available evidence is currently insufficient to determine the role of this variant in disease. Therefore, it has been classified as a Variant of Uncertain Significance.